The following is an entry in ClinVar:

NM_001105206.3(LAMA4):c.1135A>G (p.Asn379Asp)

Gene: LAMA4 (laminin subunit alpha 4; minus strand). Cytogenetic location: 6q21.
Variant type: single nucleotide variant.
Coding change: c.1135A>G on transcript NM_001105206.3 (MANE Select); coding-DNA position 1135, A replaced by G.
Protein change: p.Asn379Asp; replaces asparagine 379 with aspartic acid.
Molecular consequence: missense variant.
Genome position (GRCh38, 1-based): chr6:112,178,175, T>C on the plus strand (A>G on the coding strand, the complement: LAMA4 is on the minus strand). VCF-style: chr6-112178175-T-C. GRCh37 (hg19) VCF-style: chr6-112499377-T-C.
Other names: c.1114A>G, p.Asn372Asp (NM_001105207.3, NM_002290.5); short protein forms N372D, N379D.
Identifiers: ClinVar variation 5020324 (VCV005020324.1).

ClinVar aggregate classification (germline): Uncertain significance (1 of 4 stars; one submission).

Submission:

Dasa
Classification: Uncertain significance. Last evaluated: 2026-06-22. Review status: criteria provided, single submitter. Criteria: DASA Assertion Criteria. Collection method: clinical testing. Allele origin: germline.
Comment: NM_001105206.3(LAMA4):c.1135A>G (p.Asn379Asp) is a missense variant that results in the substitution of asparagine with aspartic acid. This variant is rare in population databases. Computational prediction algorithms are consistent with a benign effect. The currently available literature and clinical evidence are not sufficient to establish a definitive association between this variant and the reported condition. Therefore, this variant is classified as a variant of uncertain significance.